The following is an entry in ClinVar:

ClinVar aggregate classification (germline): Uncertain significance. Review status: criteria provided, multiple submitters, no conflicts (2 of 4 stars). 2 submissions from 2 submitters: Uncertain significance (2). Last evaluated 2026-09-10.

Conditions:
Ehlers-Danlos syndrome, classic type, 1 (EDSCL1). Also called: Ehlers-Danlos syndrome, type 1; Ehlers-Danlos Syndrome, Classic Type, COL5A1-Related; EDS I; EHLERS-DANLOS SYNDROME, GRAVIS TYPE; EHLERS-DANLOS SYNDROME, SEVERE CLASSIC TYPE. Identifiers: MedGen C0268335, MONDO:0019567, OMIM 130000.
Familial thoracic aortic aneurysm and aortic dissection (TAAD). Also called: Thoracic aortic aneurysms and dissections. Identifiers: Orphanet 91387, MedGen C4707243, MONDO:0019625.

Allele frequency attached by ClinVar (database versions not stated): gnomAD exomes below 0.00001.
gnomAD v4.1: 3 of 1,613,972 alleles (0.00019%); highest among the groups gnomAD compares: South Asian, 0.0011%; no homozygotes.

Submissions (2):

Ambry Genetics
Classification: Uncertain significance for Familial thoracic aortic aneurysm and aortic dissection. Last evaluated: 2026-09-10. Review status: criteria provided, single submitter. Criteria: Ambry Variant Classification Scheme 2023. Collection method: clinical testing. Allele origin: germline.

Labcorp Genetics (formerly Invitae), Labcorp
Classification: Uncertain significance for Ehlers-Danlos syndrome, classic type, 1. Last evaluated: 2021-12-15. Review status: criteria provided, single submitter. Criteria: Invitae Variant Classification Sherloc (09022015). Collection method: clinical testing. Allele origin: germline.
Comment: In summary, the available evidence is currently insufficient to determine the role of this variant in disease. Therefore, it has been classified as a Variant of Uncertain Significance. Advanced modeling of protein sequence and biophysical properties (such as structural, functional, and spatial information, amino acid conservation, physicochemical variation, residue mobility, and thermodynamic stability) performed at Invitae indicates that this missense variant is not expected to disrupt COL5A2 protein function. This variant has not been reported in the literature in individuals affected with COL5A2-related conditions. This variant is not present in population databases (gnomAD no frequency). This sequence change replaces arginine, which is basic and polar, with glutamine, which is neutral and polar, at codon 1202 of the COL5A2 protein (p.Arg1202Gln).

NM_000393.5(COL5A2):c.3605G>A (p.Arg1202Gln)

Gene: COL5A2 (collagen type V alpha 2 chain; minus strand). Cytogenetic location: 2q32.2.
Variant type: single nucleotide variant.
Coding change: c.3605G>A on transcript NM_000393.5 (MANE Select); coding-DNA position 3605, G replaced by A.
Protein change: p.Arg1202Gln; replaces arginine 1202 with glutamine.
Molecular consequence: missense variant.
Genome position (GRCh38, 1-based): chr2:189,041,614, C>T on the plus strand (G>A on the coding strand, the complement: COL5A2 is on the minus strand). VCF-style: chr2-189041614-C-T. GRCh37 (hg19) VCF-style: chr2-189906340-C-T.
Other names: c.3605G>A (NM_000393.3); short protein forms R1202Q.
Identifiers: ClinVar variation 2045348 (VCV002045348.4), dbSNP rs2469227534, ClinGen allele CA349859646.